The following is an entry in ClinVar:

NM_173483.4(CYP4F22):c.839A>T (p.Gln280Leu)

Gene: CYP4F22 (cytochrome P450 family 4 subfamily F member 22; plus strand). Cytogenetic location: 19p13.12.
Variant type: single nucleotide variant.
Coding change: c.839A>T on transcript NM_173483.4 (MANE Select); coding-DNA position 839, A replaced by T.
Protein change: p.Gln280Leu; replaces glutamine 280 with leucine.
Molecular consequence: missense variant.
Genome position (GRCh38, 1-based): chr19:15,540,617, A>T. VCF-style: chr19-15540617-A-T. GRCh37 (hg19) VCF-style: chr19-15651428-A-T.
Other names: short protein forms Q280L.
Identifiers: ClinVar variation 3367856 (VCV003367856.1).

ClinVar aggregate classification (germline): Uncertain significance (1 of 4 stars; one submission).

Submission:

GeneDx
Classification: Uncertain significance. Last evaluated: 2024-01-19. Review status: criteria provided, single submitter. Criteria: GeneDx Variant Classification Process June 2021. Collection method: clinical testing. Allele origin: germline. Affected: yes.
Comment: Has not been previously published as pathogenic or benign to our knowledge; Not observed at significant frequency in large population cohorts (gnomAD); In silico analysis supports that this missense variant has a deleterious effect on protein structure/function